The following is an entry in ClinVar:

ClinVar aggregate classification (germline): Uncertain significance. Review status: criteria provided, multiple submitters, no conflicts (2 of 4 stars). 3 submissions from 3 submitters: Uncertain significance (3). Last evaluated 2026-01-19.

Conditions:
Multiple endocrine neoplasia, type 1 (MEN1). Also called: MEN I; WERMER SYNDROME; Endocrine adenomatosis multiple; MEN 1; MEA I. Identifiers: Orphanet 652, MedGen C0025267, MeSH D018761, MONDO:0007540, OMIM 131100.
Hereditary cancer-predisposing syndrome. Also called: Hereditary Cancer Syndrome; Hereditary neoplastic syndrome; Tumor predisposition; Neoplastic Syndromes, Hereditary. Identifiers: Orphanet 140162, MedGen C0027672, MeSH D009386, MONDO:0015356.

Submissions (3):

Labcorp Genetics (formerly Invitae), Labcorp
Classification: Uncertain significance for Multiple endocrine neoplasia, type 1. Last evaluated: 2026-01-19. Review status: criteria provided, single submitter. Criteria: Invitae Variant Classification Sherloc (09022015). Collection method: clinical testing. Allele origin: germline.
Comment: This sequence change replaces proline, which is neutral and non-polar, with leucine, which is neutral and non-polar, at codon 514 of the MEN1 protein (p.Pro514Leu). This variant is not present in population databases (gnomAD no frequency). This variant has not been reported in the literature in individuals affected with MEN1-related conditions. ClinVar contains an entry for this variant (Variation ID: 457307). Invitae Evidence Modeling of protein sequence and biophysical properties (such as structural, functional, and spatial information, amino acid conservation, physicochemical variation, residue mobility, and thermodynamic stability) indicates that this missense variant is not expected to disrupt MEN1 protein function with a negative predictive value of 80%. In summary, the available evidence is currently insufficient to determine the role of this variant in disease. Therefore, it has been classified as a Variant of Uncertain Significance.

Color Diagnostics, LLC DBA Color Health
Classification: Uncertain significance for Multiple endocrine neoplasia, type 1. Last evaluated: 2025-06-18. Review status: criteria provided, single submitter. Criteria: ACMG Guidelines, 2015. Collection method: clinical testing. Allele origin: germline.
Comment: This missense variant replaces proline with leucine at codon 514 of the MEN1 protein. Computational prediction suggests that this variant may not impact protein structure and function. To our knowledge, functional studies have not been reported for this variant. This variant has been detected in an individual affected with primary hyperparathyroidism who also has the MEN1 c.1382_1390dup (p.Glu461_Glu463dup) variant (PMID: 30339208). This variant has not been identified in the general population by the Genome Aggregation Database (gnomAD). The available evidence is insufficient to determine the role of this variant in disease conclusively. Therefore, this variant is classified as a Variant of Uncertain Significance.

Ambry Genetics
Classification: Uncertain significance for Hereditary cancer-predisposing syndrome. Last evaluated: 2024-11-08. Review status: criteria provided, single submitter. Criteria: Ambry Variant Classification Scheme 2023. Collection method: clinical testing. Allele origin: germline.
Comment: The p.P514L variant (also known as c.1541C>T), located in coding exon 9 of the MEN1 gene, results from a C to T substitution at nucleotide position 1541. The proline at codon 514 is replaced by leucine, an amino acid with similar properties. This alteration was detected in a patient with multiple endocrine neoplasia type 1 (MEN1); however, the patient was also positive for a second MEN1 alteration that was classified as pathogenic by the authors (Romanet P et al. J Clin Endocrinol Metab, 2019 03;104:753-764). This amino acid position is well conserved in available vertebrate species. In addition, the in silico prediction for this alteration is inconclusive. Since supporting evidence is limited at this time, the clinical significance of this alteration remains unclear.

Literature cited by the submitters: PubMed 30339208 (cited by Color Diagnostics, LLC DBA Color Health and Ambry Genetics).

NM_001370259.2(MEN1):c.1541C>T (p.Pro514Leu)

Gene: MEN1 (menin 1; minus strand). Cytogenetic location: 11q13.1.
Variant type: single nucleotide variant.
Coding change: c.1541C>T on transcript NM_001370259.2 (MANE Select); coding-DNA position 1541, C replaced by T.
Protein change: p.Pro514Leu; replaces proline 514 with leucine.
Molecular consequence: missense variant.
Genome position (GRCh38, 1-based): chr11:64,804,626, G>A on the plus strand (C>T on the coding strand, the complement: MEN1 is on the minus strand). VCF-style: chr11-64804626-G-A. GRCh37 (hg19) VCF-style: chr11-64572098-G-A.
Other names: c.1556C>T, p.Pro519Leu (NM_000244.4, NM_130800.3, NM_130801.3 and 3 more transcripts); c.1667C>T, p.Pro556Leu (NM_001370251.2); c.1541C>T, p.Pro514Leu (NM_001370260.2, NM_001370261.2, NM_130799.3); c.1436C>T, p.Pro479Leu (NM_001370262.2, NM_001370263.2); short protein forms P514L, P519L, P479L, P556L.
Identifiers: ClinVar variation 457307 (VCV000457307.11), dbSNP rs753022747, ClinGen allele CA381178580.